The following is an entry in ClinVar:

NM_021267.5(CERS1):c.701G>A (p.Arg234Gln)

Genes: CERS1 (ceramide synthase 1; minus strand), GDF1 (growth differentiation factor 1; minus strand). Cytogenetic location: 19p13.11.
Variant type: single nucleotide variant.
Coding change: c.701G>A on transcript NM_021267.5 (MANE Select); coding-DNA position 701, G replaced by A.
Protein change: p.Arg234Gln; replaces arginine 234 with glutamine.
Molecular consequence: missense variant. On other transcripts: 5 prime UTR variant (1), intron variant (1).
Genome position (GRCh38, 1-based): chr19:18,880,325, C>T on the plus strand (G>A on the coding strand, the complement: CERS1 is on the minus strand). VCF-style: chr19-18880325-C-T. GRCh37 (hg19) VCF-style: chr19-18991134-C-T.
Other names: c.407G>A, p.Arg136Gln (NM_001290265.2, NM_001387442.1, NM_001387443.1 and 2 more transcripts); c.701G>A, p.Arg234Gln (NM_001387439.1, NM_001387440.1, NM_198207.3); c.656G>A, p.Arg219Gln (NM_001387441.1); c.-622G>A (NM_001492.6); c.-313+3762G>A (NM_001387438.1); short protein forms R136Q, R234Q, R219Q.
Identifiers: ClinVar variation 861075 (VCV000861075.10), dbSNP rs369297915, ClinGen allele CA9318174.
Genomic context (GRCh38, chr19:18,880,325, plus strand): 5'-ACCACTCACCAGCTGAAGCCGAAGCTGAGGCAGCCCAAGTCTGCTGCCAAGGCATGCAGC[C>T]GATGGTAGGAGCCGCCGCGGGACTTGAAGTAAATGTTGAGCTTGGTGAACTCAAGCTGCA-3'
Protein context (NP_067090.1, residues 224-244): YFKSRGGSYH[Arg234Gln]LHALAADLGC

ClinVar aggregate classification (germline): Uncertain significance. Review status: criteria provided, multiple submitters, no conflicts (2 of 4 stars). 3 submissions from 3 submitters: Uncertain significance (3). Last evaluated 2025-11-26.

Conditions:
Progressive myoclonic epilepsy type 8. Identifiers: Orphanet 424027, MedGen C5190825, MONDO:0014545, OMIM 616230.

Allele frequency attached by ClinVar (database versions not stated): TOPMed 0.00006; ESP Exome Variant Server 0.00008.
gnomAD v4.1: 45 of 1,554,150 alleles (0.0029%); highest among the groups gnomAD compares: East Asian, 0.022%; no homozygotes.

Submissions (3):

Ambry Genetics
Classification: Uncertain significance. Last evaluated: 2025-11-26. Review status: criteria provided, single submitter. Criteria: Ambry Variant Classification Scheme 2023. Collection method: clinical testing. Allele origin: germline.

Labcorp Genetics (formerly Invitae), Labcorp
Classification: Uncertain significance for Progressive myoclonic epilepsy type 8. Last evaluated: 2024-10-15. Review status: criteria provided, single submitter. Criteria: Invitae Variant Classification Sherloc (09022015). Collection method: clinical testing. Allele origin: germline.
Comment: This sequence change replaces arginine, which is basic and polar, with glutamine, which is neutral and polar, at codon 234 of the CERS1 protein (p.Arg234Gln). This variant is present in population databases (rs369297915, gnomAD 0.02%). This variant has not been reported in the literature in individuals affected with CERS1-related conditions. ClinVar contains an entry for this variant (Variation ID: 861075). An algorithm developed to predict the effect of missense changes on protein structure and function (PolyPhen-2) suggests that this variant¬†is likely to be tolerated. In summary, the available evidence is currently insufficient to determine the role of this variant in disease. Therefore, it has been classified as a Variant of Uncertain Significance.

Blueprint Genetics
Classification: Uncertain significance. Last evaluated: 2020-11-11. Review status: criteria provided, single submitter. Criteria: ACMG Guidelines, 2015. Collection method: clinical testing. Allele origin: germline.